The following is an entry in ClinVar:

NM_001384474.1(LOXHD1):c.3999C>A (p.Cys1333Ter)

Gene: LOXHD1 (lipoxygenase homology PLAT domains 1; minus strand). Cytogenetic location: 18q21.1.
Variant type: single nucleotide variant.
Coding change: c.3999C>A on transcript NM_001384474.1 (MANE Select); coding-DNA position 3999, C replaced by A.
Protein change: p.Cys1333Ter; replaces cysteine 1333 with a stop codon.
Molecular consequence: nonsense.
Genome position (GRCh38, 1-based): chr18:46,538,252, G>T on the plus strand (C>A on the coding strand, the complement: LOXHD1 is on the minus strand). VCF-style: chr18-46538252-G-T. GRCh37 (hg19) VCF-style: chr18-44118215-G-T.
Other names: c.666C>A, p.Cys222Ter (NM_001145472.3); c.378C>A, p.Cys126Ter (NM_001308013.2); c.3999C>A, p.Cys1333Ter (NM_144612.7); short protein forms C126*, C1333*, C222*.
Identifiers: ClinVar variation 3024461 (VCV003024461.1), dbSNP rs117297079, ClinGen allele CA402376989.

ClinVar aggregate classification (germline): Likely pathogenic (0 of 4 stars; one submission).

Conditions:
Autosomal recessive nonsyndromic hearing loss 77. Identifiers: Orphanet 90636, MedGen C2746083, MONDO:0013119, OMIM 613079.

Submission:

Department of Genetics, Dr. ALM PG Institute of Basic Medical Sciences
Classification: Likely pathogenic for Autosomal recessive nonsyndromic hearing loss 77. Last evaluated: 2022-06-15. Review status: no assertion criteria provided. Collection method: research. Allele origin: unknown. Inheritance: Autosomal recessive inheritance. Affected: yes.
Comment: This loss of function variant in LOXHD1 gene is well segragating in family.